The following is an entry in ClinVar:

NM_001853.4(COL9A3):c.1682C>T (p.Pro561Leu)

Gene: COL9A3 (collagen type IX alpha 3 chain; plus strand). Cytogenetic location: 20q13.33.
Variant type: single nucleotide variant.
Coding change: c.1682C>T on transcript NM_001853.4 (MANE Select); coding-DNA position 1682, C replaced by T.
Protein change: p.Pro561Leu; replaces proline 561 with leucine.
Molecular consequence: missense variant.
Genome position (GRCh38, 1-based): chr20:62,837,161, C>T. VCF-style: chr20-62837161-C-T. GRCh37 (hg19) VCF-style: chr20-61468513-C-T.
Other names: short protein forms P561L.
Identifiers: ClinVar variation 2787719 (VCV002787719.4), dbSNP rs1200719092, ClinGen allele CA409599285.

ClinVar aggregate classification (germline): Uncertain significance. Review status: criteria provided, multiple submitters, no conflicts (2 of 4 stars). 2 submissions from 2 submitters: Uncertain significance (2). Last evaluated 2024-09-30.

Allele frequency attached by ClinVar (database versions not stated): gnomAD exomes below 0.00001; TOPMed 0.00001.
gnomAD v4.1: 3 of 1,613,004 alleles (0.00019%); highest among the groups gnomAD compares: South Asian, 0.0022%; no homozygotes.

Submissions (2):

Blueprint Genetics
Classification: Uncertain significance. Last evaluated: 2024-09-30. Review status: criteria provided, single submitter. Criteria: ACMG Guidelines, 2015. Collection method: clinical testing. Allele origin: germline.

Labcorp Genetics (formerly Invitae), Labcorp
Classification: Uncertain significance. Last evaluated: 2023-08-07. Review status: criteria provided, single submitter. Criteria: Invitae Variant Classification Sherloc (09022015). Collection method: clinical testing. Allele origin: germline.
Comment: This sequence change replaces proline, which is neutral and non-polar, with leucine, which is neutral and non-polar, at codon 561 of the COL9A3 protein (p.Pro561Leu). This variant is present in population databases (no rsID available, gnomAD 0.0009%). This variant has not been reported in the literature in individuals affected with COL9A3-related conditions. Advanced modeling of protein sequence and biophysical properties (such as structural, functional, and spatial information, amino acid conservation, physicochemical variation, residue mobility, and thermodynamic stability) performed at Invitae indicates that this missense variant is not expected to disrupt COL9A3 protein function. In summary, the available evidence is currently insufficient to determine the role of this variant in disease. Therefore, it has been classified as a Variant of Uncertain Significance.